The following is an entry in ClinVar:

NM_000038.6(APC):c.8286C>A (p.Phe2762Leu)

Gene: APC (APC regulator of Wnt signaling pathway; plus strand). Cytogenetic location: 5q22.2.
Variant type: single nucleotide variant.
Coding change: c.8286C>A on transcript NM_000038.6 (MANE Select); coding-DNA position 8286, C replaced by A.
Protein change: p.Phe2762Leu; replaces phenylalanine 2762 with leucine.
Molecular consequence: missense variant.
Genome position (GRCh38, 1-based): chr5:112,843,880, C>A. VCF-style: chr5-112843880-C-A. GRCh37 (hg19) VCF-style: chr5-112179577-C-A.
Other names: c.8286C>A, p.Phe2762Leu (NM_001127510.3, NM_001354895.2); c.8232C>A, p.Phe2744Leu (NM_001127511.3); c.8340C>A, p.Phe2780Leu (NM_001354896.2); c.8316C>A, p.Phe2772Leu (NM_001354897.2); c.8211C>A, p.Phe2737Leu (NM_001354898.2); c.8202C>A, p.Phe2734Leu (NM_001354899.2); c.8163C>A, p.Phe2721Leu (NM_001354900.2); c.8109C>A, p.Phe2703Leu (NM_001354901.2); and 5 more; short protein forms F2744L, F2762L, F2780L, F2636L, F2661L, F2703L, F2772L, F2602L.
Identifiers: ClinVar variation 246268 (VCV000246268.15), dbSNP rs879254185, ClinGen allele CA10584268.

ClinVar aggregate classification (germline): Uncertain significance. Review status: criteria provided, multiple submitters, no conflicts (2 of 4 stars). 3 submissions from 3 submitters: Uncertain significance (3). Last evaluated 2025-02-25.

Conditions:
Hereditary cancer-predisposing syndrome. Also called: Hereditary neoplastic syndrome; Neoplastic Syndromes, Hereditary; Tumor predisposition; Hereditary Cancer Syndrome. Identifiers: Orphanet 140162, MedGen C0027672, MeSH D009386, MONDO:0015356.
Familial adenomatous polyposis 1 (FAP1). Also called: FAMILIAL ADENOMATOUS POLYPOSIS 1, ATTENUATED; POLYPOSIS, ADENOMATOUS INTESTINAL. Identifiers: MedGen C2713442, MONDO:0021056, OMIM 175100. Disease mechanism: loss of function.

Allele frequency attached by ClinVar (database versions not stated): gnomAD exomes below 0.00001; TOPMed 0.00001; gnomAD 0.00002.
gnomAD v4.1: 6 of 1,613,786 alleles (0.00037%); highest among the groups gnomAD compares: African/African-American, 0.0067%; no homozygotes.

Submissions (3):

Labcorp Genetics (formerly Invitae), Labcorp
Classification: Uncertain significance for Familial adenomatous polyposis 1. Last evaluated: 2025-02-25. Review status: criteria provided, single submitter. Criteria: Invitae Variant Classification Sherloc (09022015). Collection method: clinical testing. Allele origin: germline.
Comment: This sequence change replaces phenylalanine, which is neutral and non-polar, with leucine, which is neutral and non-polar, at codon 2762 of the APC protein (p.Phe2762Leu). This variant is present in population databases (no rsID available, gnomAD 0.007%). This variant has not been reported in the literature in individuals affected with APC-related conditions. ClinVar contains an entry for this variant (Variation ID: 246268). Invitae Evidence Modeling of protein sequence and biophysical properties (such as structural, functional, and spatial information, amino acid conservation, physicochemical variation, residue mobility, and thermodynamic stability) indicates that this missense variant is not expected to disrupt APC protein function with a negative predictive value of 95%. In summary, the available evidence is currently insufficient to determine the role of this variant in disease. Therefore, it has been classified as a Variant of Uncertain Significance.

Ambry Genetics
Classification: Uncertain significance for Hereditary cancer-predisposing syndrome. Last evaluated: 2022-07-17. Review status: criteria provided, single submitter. Criteria: Ambry Variant Classification Scheme 2023. Collection method: clinical testing. Allele origin: germline.
Comment: The p.F2762L variant (also known as c.8286C>A), located in coding exon 15 of the APC gene, results from a C to A substitution at nucleotide position 8286. The phenylalanine at codon 2762 is replaced by leucine, an amino acid with highly similar properties. This amino acid position is conserved. In addition, in silico predictors for this gene do not accurately predict pathogenicity. Since supporting evidence is limited at this time, the clinical significance of this alteration remains unclear.

GeneDx
Classification: Uncertain significance. Last evaluated: 2015-12-26. Review status: criteria provided, single submitter. Criteria: GeneDx Variant Classification (06012015). Collection method: clinical testing. Allele origin: germline. Affected: yes.
Comment: This variant is denoted APC c.8286C>A at the cDNA level, p.Phe2762Leu (F2762L) at the protein level, and results in the change of a Phenylalanine to a Leucine (TTC>TTA). This variant has not, to our knowledge, been published in the literature as pathogenic or benign. APC Phe2762Leu was not observed in approximately 6,500 individuals of European and African American ancestry in the NHLBI Exome Sequencing Project, suggesting it is not a common benign variant in these populations. Since Phenylalanine and Leucine share similar properties, this is considered a conservative amino acid substitution. APC Phe2762Leu occurs at a position that is conserved across species and is located in the EB1 binding domain (Azzopardi 2008). In silico analyses predict that this variant is probably damaging to protein structure and function. Based on currently available evidence, it is unclear whether APC Phe2762Leu is a pathogenic or benign variant. We consider it to be a variant of uncertain significance.